The following is an entry in ClinVar:

NM_025114.4(CEP290):c.6649A>G (p.Thr2217Ala)

Gene: CEP290 (centrosomal protein 290; minus strand). Cytogenetic location: 12q21.32.
Variant type: single nucleotide variant.
Coding change: c.6649A>G on transcript NM_025114.4 (MANE Select); coding-DNA position 6649, A replaced by G.
Protein change: p.Thr2217Ala; replaces threonine 2217 with alanine.
Molecular consequence: missense variant.
Genome position (GRCh38, 1-based): chr12:88,059,017, T>C on the plus strand (A>G on the coding strand, the complement: CEP290 is on the minus strand). VCF-style: chr12-88059017-T-C. GRCh37 (hg19) VCF-style: chr12-88452794-T-C.
Other names: short protein forms T2217A.
Identifiers: ClinVar variation 2118789 (VCV002118789.4), dbSNP rs2034244316, ClinGen allele CA385977887.

ClinVar aggregate classification (germline): Uncertain significance (1 of 4 stars; one submission).

Conditions:
Joubert syndrome. Also called: CEREBELLOPARENCHYMAL DISORDER IV; JOUBERT-BOLTSHAUSER SYNDROME; Familial aplasia of the vermis. Identifiers: Orphanet 475, MedGen C5979921, MONDO:0018772.
Nephronophthisis. Also called: Juvenile Nephronophthisis. Identifiers: Orphanet 655, MedGen C0687120, MONDO:0019005, HP:0000090.
Meckel-Gruber syndrome. Also called: DYSENCEPHALIA SPLANCHNOCYSTICA; GRUBER SYNDROME; Dysencephalia splachnocystica. Identifiers: Orphanet 564, MedGen C0265215, MONDO:0018921.

Allele frequency attached by ClinVar (database versions not stated): gnomAD exomes below 0.00001.
gnomAD v4.1: 2 of 1,605,808 alleles (0.00012%); highest among the groups gnomAD compares: Non-Finnish European, 0.00017%; no homozygotes.

Submission:

Labcorp Genetics (formerly Invitae), Labcorp
Classification: Uncertain significance for Joubert syndrome; Meckel-Gruber syndrome; Nephronophthisis. Last evaluated: 2022-03-28. Review status: criteria provided, single submitter. Criteria: Invitae Variant Classification Sherloc (09022015). Collection method: clinical testing. Allele origin: germline.
Comment: In summary, the available evidence is currently insufficient to determine the role of this variant in disease. Therefore, it has been classified as a Variant of Uncertain Significance. Algorithms developed to predict the effect of sequence changes on RNA splicing suggest that this variant may create or strengthen a splice site. Algorithms developed to predict the effect of missense changes on protein structure and function (SIFT, PolyPhen-2, Align-GVGD) all suggest that this variant is likely to be tolerated. This variant has not been reported in the literature in individuals affected with CEP290-related conditions. This variant is not present in population databases (gnomAD no frequency). This sequence change replaces threonine, which is neutral and polar, with alanine, which is neutral and non-polar, at codon 2217 of the CEP290 protein (p.Thr2217Ala).